The following is an entry in ClinVar:

ClinVar aggregate classification (germline): Uncertain significance (0 of 4 stars; one submission).

Conditions:
COL4A4-related disorder.

Submission:

PreventionGenetics, part of Exact Sciences
Classification: Uncertain significance for COL4A4-related condition. Last evaluated: 2023-11-20. Review status: no assertion criteria provided. Collection method: clinical testing. Allele origin: germline.
Comment: The COL4A4 c.4363C>A variant is predicted to result in the amino acid substitution p.Pro1455Thr. To our knowledge, this variant has not been reported in the literature or in a large population database, indicating this variant is rare. A different missense change impacting the same amino acid residue has been reported in a compound heterozygous individual with Alport syndrome (Patient 30, Table 3, p.Pro1455Ala in Zhang et al. 2021. PubMed ID: 33772369). Although we suspect that this variant may be pathogenic, at this time, the clinical significance of this variant is uncertain due to the absence of conclusive functional and genetic evidence.

NM_000092.5(COL4A4):c.4363C>A (p.Pro1455Thr)

Gene: COL4A4 (collagen type IV alpha 4 chain; minus strand). Cytogenetic location: 2q36.3.
Variant type: single nucleotide variant.
Coding change: c.4363C>A on transcript NM_000092.5 (MANE Select); coding-DNA position 4363, C replaced by A.
Protein change: p.Pro1455Thr; replaces proline 1455 with threonine.
Molecular consequence: missense variant.
Genome position (GRCh38, 1-based): chr2:227,010,472, G>T on the plus strand (C>A on the coding strand, the complement: COL4A4 is on the minus strand). VCF-style: chr2-227010472-G-T. GRCh37 (hg19) VCF-style: chr2-227875188-G-T.
Other names: short protein forms P1455T.
Identifiers: ClinVar variation 3061655 (VCV003061655.2), dbSNP rs1313789894, ClinGen allele CA350836308.